The following is an entry in ClinVar:

ClinVar aggregate classification (germline): Benign/Likely benign. Review status: criteria provided, multiple submitters, no conflicts (2 of 4 stars). 8 submissions from 8 submitters: Benign (1); Likely benign (4). 3 of the submissions do not count toward it. Last evaluated 2026-02-01.

Allele frequency attached by ClinVar (database versions not stated): 1000 Genomes Project 30x 0.00062; 1000 Genomes Project 0.00080; ESP Exome Variant Server 0.00254; TOPMed 0.00263; gnomAD 0.00295 and 0.00310; gnomAD exomes 0.00309 and 0.00443; ExAC 0.00315.
gnomAD v4.1: 6,847 of 1,613,536 alleles (0.42%); highest among the groups gnomAD compares: Non-Finnish European, 0.52%; 13 homozygotes.

Submissions (8):

Labcorp Genetics (formerly Invitae), Labcorp
Classification: Benign. Last evaluated: 2026-02-01. Review status: criteria provided, single submitter. Criteria: Invitae Variant Classification Sherloc (09022015). Collection method: clinical testing. Allele origin: germline.

CeGaT Center for Human Genetics Tuebingen
Classification: Likely benign. Last evaluated: 2024-12-01. Review status: criteria provided, single submitter. Criteria: CeGaT Center For Human Genetics Tuebingen Variant Classification Criteria Version 2. Collection method: clinical testing. Allele origin: germline. Affected: yes. Observed: 1 variant allele.
Comment: MRTFA: BP4, BP7

Blueprint Genetics
Classification: Likely benign. Last evaluated: 2024-11-19. Review status: criteria provided, single submitter. Criteria: ACMG Guidelines, 2015. Collection method: clinical testing. Allele origin: germline.

Genetic Services Laboratory, University of Chicago
Classification: Likely benign. Last evaluated: 2021-08-09. Review status: criteria provided, single submitter. Criteria: ACMG Guidelines, 2015. Collection method: clinical testing. Allele origin: germline. Affected: no.

Breakthrough Genomics
Classification: Likely benign. Review status: criteria provided, single submitter. Criteria: ACMG Guidelines, 2015. Collection method: not provided. Allele origin: germline. Inheritance: Autosomal recessive inheritance. Affected: yes.

Clinical Genetics DNA and cytogenetics Diagnostics Lab, Erasmus MC, Erasmus Medical Center
Classification: Likely benign. Review status: no assertion criteria provided. Collection method: clinical testing. Allele origin: germline. Affected: yes. Study: VKGL Data-share Consensus. Not counted in ClinVar's aggregate classification.

Diagnostic Laboratory, Department of Genetics, University Medical Center Groningen
Classification: Likely benign. Review status: no assertion criteria provided. Collection method: clinical testing. Allele origin: germline. Affected: yes. Study: VKGL Data-share Consensus. Not counted in ClinVar's aggregate classification.

Genome Diagnostics Laboratory, University Medical Center Utrecht
Classification: Likely benign. Review status: no assertion criteria provided. Collection method: clinical testing. Allele origin: germline. Affected: yes. Study: VKGL Data-share Consensus. Not counted in ClinVar's aggregate classification.

NM_020831.6(MRTFA):c.1332G>A (p.Pro444=)

Gene: MRTFA (myocardin related transcription factor A; minus strand). Cytogenetic location: 22q13.1.
Variant type: single nucleotide variant.
Coding change: c.1332G>A on transcript NM_020831.6 (MANE Select); coding-DNA position 1332, G replaced by A.
Protein change: p.Pro444=; no amino-acid change (proline 444 retained).
Molecular consequence: synonymous variant.
Genome position (GRCh38, 1-based): chr22:40,420,426, C>T on the plus strand (G>A on the coding strand, the complement: MRTFA is on the minus strand). VCF-style: chr22-40420426-C-T. GRCh37 (hg19) VCF-style: chr22-40816430-C-T.
Other names: c.1032G>A, p.Pro344= (NM_001282660.2); c.1182G>A, p.Pro394= (NM_001282661.3); c.1332G>A, p.Pro444= (NM_001282662.3); c.1137G>A, p.Pro379= (NM_001318139.2).
Identifiers: ClinVar variation 1166026 (VCV001166026.32), dbSNP rs148478967, ClinGen allele CA10249703.
Genomic context (GRCh38, chr22:40,420,426, plus strand): 5'-CAGGCTGGCAGTGGCTCAAGTTTTCCAGTGGCCATGTACCTTCATGTCGTCCAGGTTGGC[C>T]GGCAGGGCTCCCGGCTTGCCAGTCAGTGAGGTGCTGTTCTGACGTGCCAGCCCACAGGGC-3'
Protein context (NP_065882.2, residues 434-454): TSLTGKPGAL[Pro444=]ANLDDMKVAE